The following is an entry in ClinVar:

ClinVar aggregate classification (germline): Likely pathogenic (1 of 4 stars; one submission).

Conditions:
Hereditary cancer-predisposing syndrome. Also called: Tumor predisposition; Hereditary neoplastic syndrome; Neoplastic Syndromes, Hereditary; Hereditary Cancer Syndrome. Identifiers: Orphanet 140162, MedGen C0027672, MeSH D009386, MONDO:0015356.

Submission:

Ambry Genetics
Classification: Likely pathogenic for Hereditary cancer-predisposing syndrome. Last evaluated: 2018-11-26. Review status: criteria provided, single submitter. Criteria: Ambry Variant Classification Scheme 2023. Collection method: clinical testing. Allele origin: germline.
Comment: The c.122-1G>T intronic variant results from a G to T substitution one nucleotide upstream from coding exon 3 of the XRCC2 gene. This nucleotide position is highly conserved in available vertebrate species. Using the BDGP and ESEfinder splice site prediction tools, this alteration is predicted to abolish the native splice acceptor site; however, direct evidence is unavailable. Alterations that disrupt the canonical splice site are expected to cause aberrant splicing, resulting in an abnormal protein or a transcript that is subject to nonsense-mediated mRNA decay. As such, this alteration is classified as likely pathogenic.

NM_005431.2(XRCC2):c.122-1G>T

Gene: XRCC2 (X-ray repair cross complementing 2; minus strand). Cytogenetic location: 7q36.1.
Variant type: single nucleotide variant.
Coding change: c.122-1G>T on transcript NM_005431.2 (MANE Select); the canonical splice acceptor site of the intron before coding-DNA position 122, G replaced by T.
Molecular consequence: splice acceptor variant.
Genome position (GRCh38, 1-based): chr7:152,649,364, C>A on the plus strand (G>T on the coding strand, the complement: XRCC2 is on the minus strand). VCF-style: chr7-152649364-C-A. GRCh37 (hg19) VCF-style: chr7-152346449-C-A.
Identifiers: ClinVar variation 818627 (VCV000818627.4), dbSNP rs201836415, ClinGen allele CA370199381.